The following is an entry in ClinVar:

NM_003000.3(SDHB):c.529C>A (p.Arg177Ser)

Gene: SDHB (succinate dehydrogenase complex iron sulfur subunit B; minus strand). Cytogenetic location: 1p36.13.
Variant type: single nucleotide variant.
Coding change: c.529C>A on transcript NM_003000.3 (MANE Select); coding-DNA position 529, C replaced by A.
Protein change: p.Arg177Ser; replaces arginine 177 with serine.
Molecular consequence: missense variant.
Genome position (GRCh38, 1-based): chr1:17,027,760, G>T on the plus strand (C>A on the coding strand, the complement: SDHB is on the minus strand). VCF-style: chr1-17027760-G-T. GRCh37 (hg19) VCF-style: chr1-17354255-G-T.
Other names: short protein forms R177S.
Identifiers: ClinVar variation 239432 (VCV000239432.11), dbSNP rs149091125, ClinGen allele CA10581746.

ClinVar aggregate classification (germline): Uncertain significance. Review status: criteria provided, multiple submitters, no conflicts (2 of 4 stars). 3 submissions from 3 submitters: Uncertain significance (3). Last evaluated 2025-02-19.

Conditions:
Hereditary cancer-predisposing syndrome. Also called: Neoplastic Syndromes, Hereditary; Hereditary neoplastic syndrome; Hereditary Cancer Syndrome; Tumor predisposition. Identifiers: Orphanet 140162, MedGen C0027672, MeSH D009386, MONDO:0015356.
Gastrointestinal stromal tumor. Also called: Gastrointestinal stromal tumor, somatic; Gastrointestinal stroma tumor. Identifiers: Orphanet 44890, MedGen C0238198, MeSH D046152, MONDO:0011719, OMIM 606764, HP:0100723.
Pheochromocytoma. Also called: MAX-Related Hereditary Paraganglioma-Pheochromocytoma Syndrome. Identifiers: Orphanet 29072, MedGen C0031511, MONDO:0008233, OMIM 171300, HP:0002666.
Pheochromocytoma/paraganglioma syndrome 4. Also called: PARAGANGLIOMA, FAMILIAL MALIGNANT; PARAGANGLIOMAS, HEREDITARY EXTRAADRENAL; PHEOCHROMOCYTOMA, FAMILIAL EXTRAADRENAL; Paragangliomas 4; SDHB-Related Hereditary Paraganglioma-Pheochromocytoma Syndrome (Paragangliomas 4); SDHB-Related Hereditary Paraganglioma-Pheochromocytoma Syndrome. Identifiers: Orphanet 29072, MedGen C1861848, MONDO:0007273, OMIM 115310.
Hereditary pheochromocytoma and paraganglioma. Also called: Hereditary Paraganglioma-Pheochromocytoma Syndromes; Hereditary pheochromocytoma-paraganglioma; Hereditary paragangliomas and pheochromocytomas. Identifiers: Orphanet 29072, MedGen C4274332, MONDO:0017366.

Allele frequency attached by ClinVar (database versions not stated): TOPMed 0.00002.

Submissions (3):

Labcorp Genetics (formerly Invitae), Labcorp
Classification: Uncertain significance for Gastrointestinal stromal tumor; Pheochromocytoma/paraganglioma syndrome 4; Pheochromocytoma. Last evaluated: 2025-02-19. Review status: criteria provided, single submitter. Criteria: Invitae Variant Classification Sherloc (09022015). Collection method: clinical testing. Allele origin: germline.
Comment: This sequence change replaces arginine, which is basic and polar, with serine, which is neutral and polar, at codon 177 of the SDHB protein (p.Arg177Ser). This variant is not present in population databases (gnomAD no frequency). This variant has not been reported in the literature in individuals affected with SDHB-related conditions. ClinVar contains an entry for this variant (Variation ID: 239432). Invitae Evidence Modeling of protein sequence and biophysical properties (such as structural, functional, and spatial information, amino acid conservation, physicochemical variation, residue mobility, and thermodynamic stability) has been performed for this missense variant. However, the output from this modeling did not meet the statistical confidence thresholds required to predict the impact of this variant on SDHB protein function. In summary, the available evidence is currently insufficient to determine the role of this variant in disease. Therefore, it has been classified as a Variant of Uncertain Significance.

All of Us Research Program, National Institutes of Health
Classification: Uncertain significance for Hereditary pheochromocytoma and paraganglioma. Last evaluated: 2024-06-09. Review status: criteria provided, single submitter. Criteria: ACMG Guidelines, 2015. Collection method: clinical testing. Allele origin: germline. Inheritance: Autosomal dominant inheritance. Observed: 2 variant alleles, 2 heterozygotes.
Comment: This missense variant replaces arginine with serine at codon 177 of the SDHB protein. Computational prediction suggests that this variant may have deleterious impact on protein structure and function (internally defined REVEL score threshold >= 0.7, PMID: 27666373). To our knowledge, functional studies have not been reported for this variant. This variant has not been reported in individuals affected with SDHB-related disorders in the literature. This variant has not been identified in the general population by the Genome Aggregation Database (gnomAD). The available evidence is insufficient to determine the role of this variant in disease conclusively. Therefore, this variant is classified as a Variant of Uncertain Significance.

This study involves interpretation of variants in research participants for the purpose of population health screening. Participant phenotype was not available at the time of variant classification. Additional details can be found in publication PMID: 35346344, PMCID: PMC8962531

Ambry Genetics
Classification: Uncertain significance for Hereditary cancer-predisposing syndrome. Last evaluated: 2023-10-10. Review status: criteria provided, single submitter. Criteria: Ambry Variant Classification Scheme 2023. Collection method: clinical testing. Allele origin: germline.
Comment: The p.R177S variant (also known as c.529C>A), located in coding exon 5 of the SDHB gene, results from a C to A substitution at nucleotide position 529. The arginine at codon 177 is replaced by serine, an amino acid with dissimilar properties. This amino acid position is highly conserved in available vertebrate species. In addition, this alteration is predicted to be deleterious by in silico analysis. Since supporting evidence is limited at this time, the clinical significance of this alteration remains unclear.